The following is an entry in ClinVar:

ClinVar aggregate classification (germline): Likely pathogenic. Review status: criteria provided, multiple submitters, no conflicts (2 of 4 stars). 3 submissions from 3 submitters: Likely pathogenic (3). Last evaluated 2025-08-08.

Conditions:
Inborn genetic diseases. Identifiers: MedGen C0950123, MeSH D030342.
Bartter disease type 1. Also called: HYPOKALEMIC ALKALOSIS WITH HYPERCALCIURIA 1, ANTENATAL; Bartter syndrome, type 1, antenatal; HYPERPROSTAGLANDIN E SYNDROME 1; Bartter Syndrome type 1. Identifiers: Orphanet 112, Orphanet 620217, MedGen C1866495, MONDO:0100344, OMIM 601678, MONDO:0011127.

Allele frequency attached by ClinVar (database versions not stated): gnomAD 0.00002; TOPMed 0.00002.

Submissions (3):

Ambry Genetics
Classification: Likely pathogenic for Inborn genetic diseases. Last evaluated: 2025-08-08. Review status: criteria provided, single submitter. Criteria: Ambry Variant Classification Scheme 2023. Collection method: clinical testing. Allele origin: germline.
Comment: The c.2402+1G>A intronic alteration consists of a G to A substitution one nucleotide after coding exon 18 of the SLC12A1 gene. Alterations that disrupt the canonical splice site are expected to cause aberrant splicing, resulting in an abnormal protein or a transcript that is subject to nonsense-mediated mRNA decay. Based on data from gnomAD, the A allele has an overall frequency of 0.001% (2/280788) total alleles studied. The highest observed frequency was 0.002% (2/128188) of European (non-Finnish) alleles. This nucleotide position is highly conserved in available vertebrate species. In silico splice site analysis predicts that this alteration will weaken the native splice donor site. Based on the available evidence, this alteration is classified as likely pathogenic.

Labcorp Genetics (formerly Invitae), Labcorp
Classification: Likely pathogenic. Last evaluated: 2024-01-31. Review status: criteria provided, single submitter. Criteria: Invitae Variant Classification Sherloc (09022015). Collection method: clinical testing. Allele origin: germline.
Comment: This sequence change affects a donor splice site in intron 19 of the SLC12A1 gene. It is expected to disrupt RNA splicing. Variants that disrupt the donor or acceptor splice site typically lead to a loss of protein function (PMID: 16199547), and loss-of-function variants in SLC12A1 are known to be pathogenic (PMID: 8640224, 9585600, 19096086). The frequency data for this variant in the population databases is considered unreliable, as metrics indicate poor data quality at this position in the gnomAD database. This variant has not been reported in the literature in individuals affected with SLC12A1-related conditions. Algorithms developed to predict the effect of sequence changes on RNA splicing suggest that this variant may disrupt the consensus splice site. In summary, the currently available evidence indicates that the variant is pathogenic, but additional data are needed to prove that conclusively. Therefore, this variant has been classified as Likely Pathogenic.

Department of Pathology and Laboratory Medicine, Sinai Health System
Classification: Likely pathogenic for Bartter disease type 1. Last evaluated: 2023-08-04. Review status: criteria provided, single submitter. Criteria: ACMG Guidelines, 2015. Collection method: research. Allele origin: germline.

Literature cited by the submitters: PubMed 16199547 (cited by Labcorp Genetics (formerly Invitae), Labcorp); PubMed 8640224 (cited by Labcorp Genetics (formerly Invitae), Labcorp); PubMed 9585600 (cited by Labcorp Genetics (formerly Invitae), Labcorp); PubMed 19096086 (cited by Labcorp Genetics (formerly Invitae), Labcorp).

NM_000338.3(SLC12A1):c.2402+1G>A

Gene: SLC12A1 (solute carrier family 12 member 1; plus strand). Cytogenetic location: 15q21.1.
Variant type: single nucleotide variant.
Coding change: c.2402+1G>A on transcript NM_000338.3 (MANE Select); the canonical splice donor site of the intron after coding-DNA position 2402, G replaced by A.
Molecular consequence: splice donor variant.
Genome position (GRCh38, 1-based): chr15:48,269,765, G>A. VCF-style: chr15-48269765-G-A. GRCh37 (hg19) VCF-style: chr15-48561962-G-A.
Other names: c.2402+1G>A (NM_001384136.1, NM_001184832.2, NM_000338.2).
Identifiers: ClinVar variation 2727875 (VCV002727875.5), dbSNP rs1479511052, ClinGen allele CA392315980.